The following is an entry in ClinVar:

ClinVar aggregate classification (germline): Uncertain significance. Review status: criteria provided, multiple submitters, no conflicts (2 of 4 stars). 2 submissions from 2 submitters: Uncertain significance (2). Last evaluated 2023-12-28.

Conditions:
Intellectual disability-epilepsy-extrapyramidal syndrome (NEDHELS). Also called: Dyskinesia, seizures, and intellectual developmental disorder. Identifiers: Orphanet 468620, MedGen C4310683, MONDO:0014952, OMIM 617171.

Allele frequency attached by ClinVar (database versions not stated): gnomAD exomes below 0.00001 and 0.00001; gnomAD 0.00003 and 0.00001; ExAC 0.00001; 1000 Genomes Project 30x 0.00016; 1000 Genomes Project 0.00020.
gnomAD v4.1: 11 of 1,613,916 alleles (0.00068%); highest among the groups gnomAD compares: South Asian, 0.011%; no homozygotes.

Submissions (2):

Revvity Omics, Revvity
Classification: Uncertain significance. Last evaluated: 2023-12-28. Review status: criteria provided, single submitter. Criteria: ACMG Guidelines, 2015. Collection method: clinical testing. Allele origin: germline.

Centre for Mendelian Genomics, University Medical Centre Ljubljana
Classification: Uncertain significance for Intellectual disability-epilepsy-extrapyramidal syndrome. Last evaluated: 2020-01-28. Review status: criteria provided, single submitter. Criteria: ACMG Guidelines, 2015. Collection method: clinical testing. Allele origin: unknown. Affected: yes.
Comment: This variant was classified as: Uncertain significance. The available evidence on this variant's pathogenicity is insufficient or conflicting. The following ACMG criteria were applied in classifying this variant: PP2.

NM_021008.4(DEAF1):c.1577C>T (p.Thr526Ile)

Gene: DEAF1 (DEAF1 transcription factor; minus strand). Cytogenetic location: 11p15.5.
Variant type: single nucleotide variant.
Coding change: c.1577C>T on transcript NM_021008.4 (MANE Select); coding-DNA position 1577, C replaced by T.
Protein change: p.Thr526Ile; replaces threonine 526 with isoleucine.
Molecular consequence: missense variant.
Genome position (GRCh38, 1-based): chr11:653,978, G>A on the plus strand (C>T on the coding strand, the complement: DEAF1 is on the minus strand). VCF-style: chr11-653978-G-A. GRCh37 (hg19) VCF-style: chr11-653978-G-A.
Other names: c.1352C>T, p.Thr451Ile (NM_001293634.2); c.851C>T, p.Thr284Ile (NM_001367390.1); short protein forms T526I, T451I, T284I.
Identifiers: ClinVar variation 930896 (VCV000930896.4), dbSNP rs531423982, ClinGen allele CA5786154.